The following is an entry in ClinVar:

ClinVar aggregate classification (germline): Uncertain significance. Review status: criteria provided, multiple submitters, no conflicts (2 of 4 stars). 2 submissions from 2 submitters: Uncertain significance (2). Last evaluated 2025-06-04.

Conditions:
Inborn genetic diseases. Identifiers: MedGen C0950123, MeSH D030342.

Submissions (2):

Ambry Genetics
Classification: Uncertain significance for Inborn genetic diseases. Last evaluated: 2025-06-04. Review status: criteria provided, single submitter. Criteria: Ambry Variant Classification Scheme 2023. Collection method: clinical testing. Allele origin: germline.
Comment: The p.V145A variant (also known as c.434T>C), located in coding exon 3 of the MBD4 gene, results from a T to C substitution at nucleotide position 434. The valine at codon 145 is replaced by alanine, an amino acid with similar properties. This amino acid position is conserved. In addition, the in silico prediction for this alteration is inconclusive. Based on the available evidence, the clinical significance of this variant remains unclear.

Labcorp Genetics (formerly Invitae), Labcorp
Classification: Uncertain significance. Last evaluated: 2024-10-15. Review status: criteria provided, single submitter. Criteria: Invitae Variant Classification Sherloc (09022015). Collection method: clinical testing. Allele origin: germline.
Comment: This sequence change replaces valine, which is neutral and non-polar, with alanine, which is neutral and non-polar, at codon 145 of the MBD4 protein (p.Val145Ala). This variant is not present in population databases (gnomAD no frequency). This variant has not been reported in the literature in individuals affected with MBD4-related conditions. An algorithm developed to predict the effect of missense changes on protein structure and function outputs the following: PolyPhen-2: "Benign". The alanine amino acid residue is found in multiple mammalian species, which suggests that this missense change does not adversely affect protein function. In summary, the available evidence is currently insufficient to determine the role of this variant in disease. Therefore, it has been classified as a Variant of Uncertain Significance.

NM_001276270.2(MBD4):c.434T>C (p.Val145Ala)

Gene: MBD4 (methyl-CpG binding domain 4, DNA glycosylase; minus strand). Cytogenetic location: 3q21.3.
Variant type: single nucleotide variant.
Coding change: c.434T>C on transcript NM_001276270.2 (MANE Select); coding-DNA position 434, T replaced by C.
Protein change: p.Val145Ala; replaces valine 145 with alanine.
Molecular consequence: missense variant. On other transcripts: intron variant (1).
Genome position (GRCh38, 1-based): chr3:129,437,210, A>G on the plus strand (T>C on the coding strand, the complement: MBD4 is on the minus strand). VCF-style: chr3-129437210-A-G. GRCh37 (hg19) VCF-style: chr3-129156053-A-G.
Other names: c.434T>C, p.Val145Ala (NM_001276271.2, NM_001276272.2, NM_003925.3); c.247+598T>C (NM_001276273.2); short protein forms V145A.
Identifiers: ClinVar variation 3678249 (VCV003678249.3).